The following is an entry in ClinVar:

ClinVar aggregate classification (germline): Conflicting classifications of pathogenicity. Review status: criteria provided, conflicting classifications (1 of 4 stars). 5 submissions from 5 submitters: Likely pathogenic (2); Uncertain significance (2). 1 of the submissions does not count toward it. Last evaluated 2026-03-05.

Conditions:
Primary pulmonary hypertension. Also called: Idiopathic pulmonary hypertension. Identifiers: MedGen C0152171.
BMPR2-related disorder. Also called: BMPR2-related disorders; BMPR2-related condition.
Inborn genetic diseases. Identifiers: MedGen C0950123, MeSH D030342.
Pulmonary arterial hypertension. Identifiers: Orphanet 182090, MedGen C2973725, MeSH D000081029, MONDO:0015924, HP:0002092.
Idiopathic and/or familial pulmonary arterial hypertension. Identifiers: Orphanet 422, MedGen C5679820, MONDO:0008347.

Submissions (5):

GeneDx
Classification: Uncertain significance. Last evaluated: 2026-03-05. Review status: criteria provided, single submitter. Criteria: GeneDx Variant Classification Process June 2021. Collection method: clinical testing. Allele origin: germline.
Comment: Not observed at significant frequency in large population cohorts (gnomAD); In silico analysis supports that this missense variant has a deleterious effect on protein structure/function; This variant is associated with the following publications: (PMID: 31727138, 29631995)

Labcorp Genetics (formerly Invitae), Labcorp
Classification: Likely pathogenic for Primary pulmonary hypertension. Last evaluated: 2026-01-28. Review status: criteria provided, single submitter. Criteria: Invitae Variant Classification Sherloc (09022015). Collection method: clinical testing. Allele origin: germline.
Comment: This sequence change replaces cysteine, which is neutral and slightly polar, with tryptophan, which is neutral and slightly polar, at codon 99 of the BMPR2 protein (p.Cys99Trp). This variant is not present in population databases (gnomAD no frequency). This missense change has been observed in individual(s) with idiopathic PAH (PMID: 31727138). ClinVar contains an entry for this variant (Variation ID: 1339373). Invitae Evidence Modeling of protein sequence and biophysical properties (such as structural, functional, and spatial information, amino acid conservation, physicochemical variation, residue mobility, and thermodynamic stability) indicates that this missense variant is expected to disrupt BMPR2 protein function with a positive predictive value of 95%. This variant disrupts the p.Cys99 amino acid residue in BMPR2. Other variant(s) that disrupt this residue have been determined to be pathogenic (PMID: 19555857, 30578397). This suggests that this residue is clinically significant, and that variants that disrupt this residue are likely to be disease-causing. In summary, the currently available evidence indicates that the variant is pathogenic, but additional data are needed to prove that conclusively. Therefore, this variant has been classified as Likely Pathogenic.

Ambry Genetics
Classification: Uncertain significance for Inborn genetic diseases. Last evaluated: 2025-12-10. Review status: criteria provided, single submitter. Criteria: Ambry Variant Classification Scheme 2023. Collection method: clinical testing. Allele origin: germline.
Comment: The c.297T>G (p.C99W) alteration is located in exon 3 (coding exon 3) of the BMPR2 gene. This alteration results from a T to G substitution at nucleotide position 297, causing the cysteine (C) at amino acid position 99 to be replaced by a tryptophan (W). This variant was not reported in population-based cohorts in the Genome Aggregation Database (gnomAD). This variant was reported in individual(s) with features consistent with BMPR2-related pulmonary hypertension (Zhu, 2018; Zhu, 2019). Additionally, other variant(s) at the same codon, c.295T>C (p.C99R), c.296G>A (p.C99Y), and c.295T>A, (p.C99S) have been identified in individual(s) with features consistent with BMPR2-related pulmonary hypertension (Lyu, 2020; Zhu, 2018; Rosenzweig, 2008; Machado, 2006). This amino acid position is highly conserved in available vertebrate species. This alteration is predicted to be deleterious by in silico analysis. Based on insufficient or conflicting evidence, the clinical significance of this alteration remains unclear.

Blueprint Genetics
Classification: Likely pathogenic for BMPR2-related disorders. Last evaluated: 2024-09-30. Review status: criteria provided, single submitter. Criteria: ACMG Guidelines, 2015. Collection method: clinical testing. Allele origin: germline. Affected: yes. Observed: 1 variant allele.

Wendy Chung Laboratory, Boston Children's Hospital
No classification provided. Condition: Idiopathic and/or familial pulmonary arterial hypertension. Review status: no classification provided. Collection method: literature only. Allele origin: germline. Affected: yes. Not counted in ClinVar's aggregate classification.

Literature cited by the submitters: PubMed 31727138 (cited by 3 submitters); PubMed 19555857 (cited by Labcorp Genetics (formerly Invitae), Labcorp); PubMed 30578397 (cited by Labcorp Genetics (formerly Invitae), Labcorp); PubMed 16429395 (cited by Ambry Genetics); PubMed 18503968 (cited by Ambry Genetics); PubMed 29631995 (cited by Ambry Genetics); PubMed 32634488 (cited by Ambry Genetics).

NM_001204.7(BMPR2):c.297T>G (p.Cys99Trp)

Gene: BMPR2 (bone morphogenetic protein receptor type 2; plus strand). Cytogenetic location: 2q33.1.
Variant type: single nucleotide variant.
Coding change: c.297T>G on transcript NM_001204.7 (MANE Select); coding-DNA position 297, T replaced by G.
Protein change: p.Cys99Trp; replaces cysteine 99 with tryptophan.
Molecular consequence: missense variant.
Genome position (GRCh38, 1-based): chr2:202,467,568, T>G. VCF-style: chr2-202467568-T-G. GRCh37 (hg19) VCF-style: chr2-203332291-T-G.
Other names: c.297T>G (NM_001204.6); short protein forms C99W.
Identifiers: ClinVar variation 1339373 (VCV001339373.7), dbSNP rs2105962254, ClinGen allele CA350399620.